The following is an entry in ClinVar:

ClinVar aggregate classification (germline): Uncertain significance. Review status: criteria provided, multiple submitters, no conflicts (2 of 4 stars). 2 submissions from 2 submitters: Uncertain significance (2). Last evaluated 2024-02-13.

Conditions:
Proteinuria, chronic benign. Identifiers: MedGen C5394384, MONDO:0030042, OMIM 618884.
Imerslund-Grasbeck syndrome type 1 (IGS1). Also called: Imerslund-Gräsbeck syndrome 1; Megaloblastic anemia 1, Finnish type; MEGALOBLASTIC ANEMIA, 1. Identifiers: MedGen C4016819, MONDO:0100156, OMIM 261100.
Imerslund-Grasbeck syndrome. Also called: PERNICIOUS ANEMIA, JUVENILE, DUE TO SELECTIVE INTESTINAL MALABSORPTION OF VITAMIN B12, WITH PROTEINURIA; Megaloblastic anemia due to inborn errors of metabolism; ENTEROCYTE COBALAMIN MALABSORPTION; ENTEROCYTE INTRINSIC FACTOR RECEPTOR, DEFECT OF; Imerslund-Gräsbeck syndrome. Identifiers: Orphanet 35858, MedGen C4551825, MONDO:0009853.

gnomAD v4.1: 14 of 1,613,990 alleles (0.00087%); highest among the groups gnomAD compares: Admixed American, 0.023%; no homozygotes.

Submissions (2):

Fulgent Genetics
Classification: Uncertain significance for Imerslund-Grasbeck syndrome type 1; Proteinuria, chronic benign. Last evaluated: 2024-02-13. Review status: criteria provided, single submitter. Criteria: ACMG Guidelines, 2015. Collection method: clinical testing. Allele origin: germline.

Labcorp Genetics (formerly Invitae), Labcorp
Classification: Uncertain significance for Imerslund-Grasbeck syndrome. Last evaluated: 2023-11-27. Review status: criteria provided, single submitter. Criteria: Invitae Variant Classification Sherloc (09022015). Collection method: clinical testing. Allele origin: germline.
Comment: This sequence change replaces alanine, which is neutral and non-polar, with serine, which is neutral and polar, at codon 3010 of the CUBN protein (p.Ala3010Ser). This variant is present in population databases (rs756775921, gnomAD 0.03%). This variant has not been reported in the literature in individuals affected with CUBN-related conditions. ClinVar contains an entry for this variant (Variation ID: 1445896). Advanced modeling of protein sequence and biophysical properties (such as structural, functional, and spatial information, amino acid conservation, physicochemical variation, residue mobility, and thermodynamic stability) performed at Invitae indicates that this missense variant is not expected to disrupt CUBN protein function with a negative predictive value of 80%. In summary, the available evidence is currently insufficient to determine the role of this variant in disease. Therefore, it has been classified as a Variant of Uncertain Significance.

NM_001081.4(CUBN):c.9028G>T (p.Ala3010Ser)

Gene: CUBN (cubilin; minus strand). Cytogenetic location: 10p13.
Variant type: single nucleotide variant.
Coding change: c.9028G>T on transcript NM_001081.4 (MANE Select); coding-DNA position 9028, G replaced by T.
Protein change: p.Ala3010Ser; replaces alanine 3010 with serine.
Molecular consequence: missense variant.
Genome position (GRCh38, 1-based): chr10:16,876,975, C>A on the plus strand (G>T on the coding strand, the complement: CUBN is on the minus strand). VCF-style: chr10-16876975-C-A. GRCh37 (hg19) VCF-style: chr10-16918974-C-A.
Other names: short protein forms A3010S.
Identifiers: ClinVar variation 1445896 (VCV001445896.7), dbSNP rs756775921, ClinGen allele CA5422833.
Genomic context (GRCh38, chr10:16,876,975, plus strand): 5'-ACTTGAATCCGAAGTCTGTGATTTGCTCGTTGGAGTAGAAGTTAAGCAGAACCGGCCCAG[C>A]GATGGTGAGGGGAGCTGGCATCTCATCCCCACACACAGTAGCAAATGGGGTGGACATGAC-3'
Protein context (NP_001072.2, residues 3000-3020): GDEMPAPLTI[Ala3010Ser]GPVLLNFYSN